The following is an entry in ClinVar:

NM_000180.4(GUCY2D):c.2132C>T (p.Pro711Leu)

Gene: GUCY2D (guanylate cyclase 2D, retinal; plus strand). Cytogenetic location: 17p13.1.
Variant type: single nucleotide variant.
Coding change: c.2132C>T on transcript NM_000180.4 (MANE Select); coding-DNA position 2132, C replaced by T.
Protein change: p.Pro711Leu; replaces proline 711 with leucine.
Molecular consequence: missense variant.
Genome position (GRCh38, 1-based): chr17:8,013,121, C>T. VCF-style: chr17-8013121-C-T. GRCh37 (hg19) VCF-style: chr17-7916439-C-T.
Other names: NM_000180.4(GUCY2D):c.2132C>T; p.Pro711Leu; short protein forms P711L.
Identifiers: ClinVar variation 974639 (VCV000974639.9), dbSNP rs765463082, ClinGen allele CA8366018.
Genomic context (GRCh38, chr17:8,013,121, plus strand): 5'-AGTCTTTCCCCAGCGGCGCCTCAGCCCCTTCCCCATCCCCAGACCAGCTGTGGACAGCCC[C>T]GGAGCTGCTTAGGGACCCAGCCCTGGAGCGCCGGGGAACGCTGGCCGGCGACGTCTTTAG-3'
Protein context (NP_000171.1, residues 701-721): PRAEDQLWTA[Pro711Leu]ELLRDPALER

ClinVar aggregate classification (germline): Likely pathogenic. Review status: reviewed by expert panel (3 of 4 stars). 5 submissions from 5 submitters: Likely pathogenic (1). 4 of the submissions do not count toward it. Last evaluated 2025-01-30.

Conditions:
Leber congenital amaurosis (LCA). Also called: Leber's amaurosis. Identifiers: Orphanet 65, MedGen C0339527, MeSH D057130, MONDO:0018998.
GUCY2D-related recessive retinopathy. Also called: Recessive GUCY2D retinopathy. Identifiers: MedGen CN305603, MONDO:0100453.
Cone-rod dystrophy 6 (CORD6). Also called: Cone dystrophy progressive; RETINAL CONE DYSTROPHY 2. Identifiers: Orphanet 1872, MedGen C1866293, MONDO:0011143, OMIM 601777.
Leber congenital amaurosis 1 (LCA1). Also called: Congenital absence of the rods and cones; Leber's congenital tapetoretinal degeneration; Leber's congenital tapetoretinal dysplasia; AMAUROSIS CONGENITA OF LEBER I; RETINAL BLINDNESS, CONGENITAL. Identifiers: Orphanet 65, MedGen C2931258, MONDO:0008764, OMIM 204000.

Allele frequency attached by ClinVar (database versions not stated): gnomAD exomes 0.00001; ExAC 0.00002.

Submissions (5):

ClinGen Leber Congenital Amaurosis/early Onset Retinal Dystrophy Variant Curation Expert Panel, ClinGen
Classification: Likely pathogenic for GUCY2D-related recessive retinopathy. Last evaluated: 2025-01-30. Review status: reviewed by expert panel. Criteria: ClinGen LCAeoRD ACMG Specifications GUCY2D V1.0.0. Collection method: curation. Allele origin: germline. Inheritance: Autosomal recessive inheritance.
Comment: The NM_000180.4(GUCY2D):c.2132C>T (p.Pro711Leu) variant is predicted to replace the proline at position p.711 with leucine. This variant is present in gnomAD v.4.1.0 at a total allele frequency of 0.000006199, with 10 alleles / 1,613,180 total alleles, which is lower than the ClinGen LCA/eoRD VCEP PM2_Supporting threshold of <0.0004 (PM2_Supporting). The computational predictor REVEL gives a score of 0.857, which is above the ClinGen LCA/eoRD VCEP threshold of ≥0.773 and predicts a damaging effect on RetGC-1 protein function (PP3_Moderate). At least one proband harboring this variant exhibits a phenotype including diagnosis of LCA (0.5), present at birth (1 pt.), visual acuity of LP (light perception) (1 pt), visual field loss (1 pt), nystagmus (1 pt), photophobia (1 pt), non-recordable ERGs (1.5 pts), and without alternative variants after large gene panel testing (2 pts). Together these are highly specific for GUCY2D-related recessive retinopathy (total 9 points, PMID: 23847139, PP4_Moderate). This variant has been reported in at least one proband with early-onset severe retinal dystrophy who was homozygous for the variant (0.5 points, PMID: 23847139). This variant has also been reported in one proband with early-onset severe retinal dystrophy who was compound heterozygous with the p.Glu196Val variant suspected in trans (0 points, PMID:20683928), which has not been classified by the ClinGen LCA/eoRD VCEP (0.5 total points, PM3_Supporting). In summary, this variant meets the criteria to be classified as Likely Pathogenic for GUCY2D-related recessive retinopathy based on the ACMG/AMP criteria applied, as specified by the ClinGen LCA/eoRD VCEP: PP3_Moderate, PP4_Moderate, PM3_Supporting, and PM2_Supporting.(VCEP specifications version 1.0.0; date of approval 01/22/2025).

Lab De Baere, Eye and Developmental Genetics Lab, Ghent University
Classification: Likely pathogenic for Leber congenital amaurosis. Last evaluated: 2024-10-01. Review status: criteria provided, single submitter. Criteria: ACMG Guidelines, 2015. Collection method: research. Allele origin: inherited. Affected: yes. Observed: 1 variant allele. Not counted in ClinVar's aggregate classification.
Comment: ACMG/AMP guidelines: PM2, PP4_PP, PP3, PP1, PM3_1

Women's Health and Genetics/Laboratory Corporation of America, LabCorp
Classification: Likely pathogenic for Leber congenital amaurosis. Last evaluated: 2024-05-31. Review status: criteria provided, single submitter. Criteria: LabCorp Variant Classification Summary - May 2015. Collection method: clinical testing. Allele origin: germline. Not counted in ClinVar's aggregate classification.
Comment: Variant summary: GUCY2D c.2132C>T (p.Pro711Leu) results in a non-conservative amino acid change located in the Protein kinase domain (IPR000719) of the encoded protein sequence. Five of five in-silico tools predict a damaging effect of the variant on protein function. The variant allele was found at a frequency of 1.2e-05 in 249576 control chromosomes. c.2132C>T has been reported in the literature in at-least three individuals affected with Leber Congenital Amaurosis (Coppieters_2010, Wang_2013, Xu_2020). These data indicate that the variant is likely to be associated with disease. To our knowledge, no experimental evidence demonstrating an impact on protein function has been reported. The following publications have been ascertained in the context of this evaluation (PMID: 20683928, 23847139, 31630094). ClinVar contains an entry for this variant (Variation ID: 974639). Based on the evidence outlined above, the variant was classified as likely pathogenic.

Labcorp Genetics (formerly Invitae), Labcorp
Classification: Uncertain significance for Leber congenital amaurosis 1; Cone-rod dystrophy 6. Last evaluated: 2021-09-01. Review status: criteria provided, single submitter. Criteria: Invitae Variant Classification Sherloc (09022015). Collection method: clinical testing. Allele origin: germline. Not counted in ClinVar's aggregate classification.
Comment: This sequence change replaces proline with leucine at codon 711 of the GUCY2D protein (p.Pro711Leu). The proline residue is highly conserved and there is a moderate physicochemical difference between proline and leucine. This variant is present in population databases (rs765463082, ExAC 0.006%). This missense change has been observed in individuals with Lebercongenital amaurosis (PMID: 20683928, 23847139). Algorithms developed to predict the effect of missense changes on protein structure and function (SIFT, PolyPhen-2, Align-GVGD) all suggest that this variant is likely to be disruptive. In summary, the available evidence is currently insufficient to determine the role of this variant in disease. Therefore, it has been classified as a Variant of Uncertain Significance.

Laboratory of Genetics in Ophthalmology, Institut Imagine
Classification: Likely pathogenic for Leber congenital amaurosis 1. Review status: no assertion criteria provided. Collection method: research. Allele origin: inherited. Affected: yes. Observed: 1 variant allele. Not counted in ClinVar's aggregate classification.

Literature cited by the submitters: PubMed 20683928 (cited by Women's Health and Genetics/Laboratory Corporation of America, LabCorp and Labcorp Genetics (formerly Invitae), Labcorp); PubMed 23847139 (cited by 3 submitters); PubMed 31630094 (cited by Women's Health and Genetics/Laboratory Corporation of America, LabCorp).